The following is an entry in ClinVar:

ClinVar aggregate classification (germline): Uncertain significance (1 of 4 stars; one submission).

Conditions:
Aicardi-Goutieres syndrome 4. Identifiers: Orphanet 51, MedGen C1835912, MONDO:0012472, OMIM 610333.

gnomAD v4.1: 2 of 1,572,376 alleles (0.00013%); highest among the groups gnomAD compares: Non-Finnish European, 0.00017%; no homozygotes.

Submission:

Labcorp Genetics (formerly Invitae), Labcorp
Classification: Uncertain significance for Aicardi-Goutieres syndrome 4. Last evaluated: 2018-06-20. Review status: criteria provided, single submitter. Criteria: Invitae Variant Classification Sherloc (09022015). Collection method: clinical testing. Allele origin: germline.
Comment: This variant has not been reported in the literature in individuals with RNASEH2A-related disease. In summary, the available evidence is currently insufficient to determine the role of this variant in disease. Therefore, it has been classified as a Variant of Uncertain Significance. Algorithms developed to predict the effect of missense changes on protein structure and function output the following: SIFT: "Tolerated"; PolyPhen-2: "Benign"; Align-GVGD: "Class C0". The leucine amino acid residue is found in multiple mammalian species, suggesting that this missense change does not adversely affect protein function. These predictions have not been confirmed by published functional studies and their clinical significance is uncertain. This variant is not present in population databases (ExAC no frequency). This sequence change replaces arginine with leucine at codon 25 of the RNASEH2A protein (p.Arg25Leu). The arginine residue is weakly conserved and there is a moderate physicochemical difference between arginine and leucine.

NM_006397.3(RNASEH2A):c.74G>T (p.Arg25Leu)

Genes: RNASEH2A (ribonuclease H2 subunit A; plus strand), LOC117038795 (CRISPRi-FlowFISH-validated PRDX2 regulatory element 4; plus strand). Cytogenetic location: 19p13.13.
Variant type: single nucleotide variant.
Coding change: c.74G>T on transcript NM_006397.3 (MANE Select); coding-DNA position 74, G replaced by T.
Protein change: p.Arg25Leu; replaces arginine 25 with leucine.
Molecular consequence: missense variant.
Genome position (GRCh38, 1-based): chr19:12,806,747, G>T. VCF-style: chr19-12806747-G-T. GRCh37 (hg19) VCF-style: chr19-12917561-G-T.
Other names: short protein forms R25L.
Identifiers: ClinVar variation 570653 (VCV000570653.6), dbSNP rs955631391, ClinGen allele CA305492137.